The following is an entry in ClinVar:

NM_014444.5(TUBGCP4):c.1636C>T (p.Gln546Ter)

Gene: TUBGCP4 (tubulin gamma complex component 4; plus strand). Cytogenetic location: 15q15.3.
Variant type: single nucleotide variant.
Coding change: c.1636C>T on transcript NM_014444.5 (MANE Select); coding-DNA position 1636, C replaced by T.
Protein change: p.Gln546Ter; replaces glutamine 546 with a stop codon.
Molecular consequence: nonsense.
Genome position (GRCh38, 1-based): chr15:43,401,755, C>T. VCF-style: chr15-43401755-C-T. GRCh37 (hg19) VCF-style: chr15-43693953-C-T.
Other names: c.1639C>T, p.Gln547Ter (NM_001286414.3); short protein forms Q547*, Q546*.
Identifiers: ClinVar variation 1459414 (VCV001459414.6), dbSNP rs2142883806, ClinGen allele CA392137526.

ClinVar aggregate classification (germline): Pathogenic (1 of 4 stars; one submission).

Submission:

Labcorp Genetics (formerly Invitae), Labcorp
Classification: Pathogenic. Last evaluated: 2021-02-28. Review status: criteria provided, single submitter. Criteria: Invitae Variant Classification Sherloc (09022015). Collection method: clinical testing. Allele origin: germline.
Comment: This sequence change creates a premature translational stop signal (p.Gln547*) in the TUBGCP4 gene. It is expected to result in an absent or disrupted protein product. Loss-of-function variants in TUBGCP4 are known to be pathogenic (PMID: 25817018). This variant is not present in population databases (ExAC no frequency). This variant has not been reported in the literature in individuals with TUBGCP4-related conditions. For these reasons, this variant has been classified as Pathogenic.

Literature cited by the submitters: PubMed 25817018.